The following is an entry in ClinVar:

ClinVar aggregate classification (germline): Uncertain significance (1 of 4 stars; one submission).

Conditions:
Cardiomyopathy (CMYO). Also called: Cardiomyopathies. Identifiers: Orphanet 167848, MedGen C0878544, MONDO:0004994, HP:0001638. Inheritance: Various modes of inheritance.

Allele frequency attached by ClinVar (database versions not stated): TOPMed 0.00001.

Submission:

Color Diagnostics, LLC DBA Color Health
Classification: Uncertain significance for Cardiomyopathy. Last evaluated: 2023-12-05. Review status: criteria provided, single submitter. Criteria: ACMG Guidelines, 2015. Collection method: clinical testing. Allele origin: germline.
Comment: This missense variant replaces aspartic acid with histidine at codon 654 of the DSC2 protein. Computational prediction tools and conservation analyses suggest that this variant may have deleterious impact on the protein function. Computational splicing tools suggest that this variant may not impact RNA splicing. To our knowledge, functional assays have not been performed for this variant nor has this variant been reported in individuals affected with cardiovascular disorders in the literature. This variant has not been identified in the general population by the Genome Aggregation Database (gnomAD). Available evidence is insufficient to determine the role of this variant in disease conclusively. Therefore, this variant is classified as a Variant of Uncertain Significance.

NM_024422.6(DSC2):c.1960G>C (p.Asp654His)

Gene: DSC2 (desmocollin 2; minus strand). Cytogenetic location: 18q12.1.
Variant type: single nucleotide variant.
Coding change: c.1960G>C on transcript NM_024422.6 (MANE Select); coding-DNA position 1960, G replaced by C.
Protein change: p.Asp654His; replaces aspartic acid 654 with histidine.
Molecular consequence: missense variant.
Genome position (GRCh38, 1-based): chr18:31,071,770, C>G on the plus strand (G>C on the coding strand, the complement: DSC2 is on the minus strand). VCF-style: chr18-31071770-C-G. GRCh37 (hg19) VCF-style: chr18-28651736-C-G.
Other names: c.1960G>C, p.Asp654His (NM_004949.5); short protein forms D654H.
Identifiers: ClinVar variation 919673 (VCV000919673.5), dbSNP rs1315556709, ClinGen allele CA402113275.